The following is an entry in ClinVar:

ClinVar aggregate classification (germline): Pathogenic (1 of 4 stars; one submission).

Conditions:
Familial thoracic aortic aneurysm and aortic dissection (TAAD). Also called: Thoracic aortic aneurysms and dissections. Identifiers: Orphanet 91387, MedGen C4707243, MONDO:0019625.

Submission:

Ambry Genetics
Classification: Pathogenic for Familial thoracic aortic aneurysm and aortic dissection. Last evaluated: 2020-09-04. Review status: criteria provided, single submitter. Criteria: Ambry Variant Classification Scheme 2023. Collection method: clinical testing. Allele origin: germline.
Comment: The c.1495delT pathogenic mutation, located in coding exon 12 of the FBN1 gene, results from a deletion of one nucleotide at nucleotide position 1495, causing a translational frameshift with a predicted alternate stop codon (p.C499Vfs*80). This alteration is expected to result in loss of function by premature protein truncation or nonsense-mediated mRNA decay. As such, this alteration is interpreted as a disease-causing mutation.

NM_000138.5(FBN1):c.1495del (p.Cys499fs)

Gene: FBN1 (fibrillin 1; minus strand). Cytogenetic location: 15q21.1.
Variant type: Deletion.
Coding change: c.1495del on transcript NM_000138.5 (MANE Select); coding-DNA position 1495, one base deleted (T; older notation c.1495delT).
Protein change: p.Cys499fs; shifts the reading frame from cysteine 499.
Molecular consequence: frameshift variant.
Genome position (GRCh38, 1-based): chr15:48,513,642, A deleted on the plus strand (T on the coding strand, the reverse complement: FBN1 is on the minus strand). VCF-style (leftmost placement, unchanged base first): chr15-48513641-CA-C. GRCh37 (hg19) VCF-style: chr15-48805838-CA-C.
Other names: c.1495delT, p.Cys499Valfs (NM_001406716.1); short protein forms C499fs.
Identifiers: ClinVar variation 1773876 (VCV001773876.2), dbSNP rs2505614010, ClinGen allele CA2580089678.